The following is an entry in ClinVar:

ClinVar aggregate classification (germline): Uncertain significance (1 of 4 stars; one submission).

gnomAD v4.1: 7 of 1,613,906 alleles (0.00043%); highest among the groups gnomAD compares: Non-Finnish European, 0.00059%; no homozygotes.

Submission:

ARUP Laboratories, Molecular Genetics and Genomics, ARUP Laboratories
Classification: Uncertain significance. Last evaluated: 2017-06-16. Review status: criteria provided, single submitter. Criteria: ARUP Molecular Germline Variant Investigation Process. Collection method: clinical testing. Allele origin: germline.
Comment: The p.Glu5Gln variant has not been reported in the medical literature, gene specific variation databases, nor has it been previously identified by our laboratory. It is absent from general population databases such as 1000 Genomes, NHLBI GO Exome Sequencing Project (ESP), and the Exome Aggregation Consortium (ExAC) browser. The glutamic acid at position 5 is weakly conserved (Alamut v.2.9.0) and computational analyses of the effects of the p.Glu5Gln variant on protein structure and function predict a neutral effect (SIFT: tolerated, MutationTaster: polymorphism, PolyPhen-2: benign). Altogether, there is not enough evidence to classify the p.Glu5Gln variant with certainty.

NM_198999.3(SLC26A5):c.13G>C (p.Glu5Gln)

Gene: SLC26A5 (solute carrier family 26 member 5; minus strand). Cytogenetic location: 7q22.1.
Variant type: single nucleotide variant.
Coding change: c.13G>C on transcript NM_198999.3 (MANE Select); coding-DNA position 13, G replaced by C.
Protein change: p.Glu5Gln; replaces glutamic acid 5 with glutamine.
Molecular consequence: missense variant. On other transcripts: non-coding transcript variant (5).
Genome position (GRCh38, 1-based): chr7:103,421,502, C>G on the plus strand (G>C on the coding strand, the complement: SLC26A5 is on the minus strand). VCF-style: chr7-103421502-C-G. GRCh37 (hg19) VCF-style: chr7-103061949-C-G.
Other names: c.13G>C, p.Glu5Gln (NM_001167962.2, NM_001321787.2, NM_206883.3 and 2 more transcripts); short protein forms E5Q.
Identifiers: ClinVar variation 618880 (VCV000618880.8), dbSNP rs750489794, ClinGen allele CA368738638.
Genomic context (GRCh38, chr7:103,421,502, plus strand): 5'-GACTAAAGATAGGCCTTTCCACATAGTACCTCTGGGTTGCTGCAAGGATTTCATTTTCTT[C>G]AGCATGATCCATAGTACTCTGAAATTATTCCTTAACAGCCGGAGACAAGCATTTCCTGAG-3'
Protein context (NP_945350.1, residues 1-15): MDHA[Glu5Gln]ENEILAATQR